The following is an entry in ClinVar:

ClinVar aggregate classification (germline): Uncertain significance. Review status: criteria provided, multiple submitters, no conflicts (2 of 4 stars). 2 submissions from 2 submitters: Uncertain significance (2). Last evaluated 2025-10-27.

Conditions:
Emery-Dreifuss muscular dystrophy 4, autosomal dominant (EDMD4). Also called: EMERY-DREIFUSS MUSCULAR DYSTROPHY 4 WITH VARIABLE FEATURES. Identifiers: Orphanet 261, MedGen C2751807, MONDO:0013071, OMIM 612998.
Autosomal recessive ataxia, Beauce type. Also called: SYNE1-Related Autosomal Recessive Cerebellar Ataxia; Spinocerebellar ataxia, autosomal recessive 8; ATAXIA, RECESSIVE, OF BEAUCE; SYNE1 Deficiency. Identifiers: Orphanet 88644, MedGen C1853116, MONDO:0012549, OMIM 610743.

Allele frequency attached by ClinVar (database versions not stated): TOPMed 0.00001; gnomAD exomes 0.00008; ExAC 0.00010.
gnomAD v4.1: 24 of 1,613,982 alleles (0.0015%); highest among the groups gnomAD compares: Admixed American, 0.04%; 1 homozygote.

Submissions (2):

Labcorp Genetics (formerly Invitae), Labcorp
Classification: Uncertain significance for Emery-Dreifuss muscular dystrophy 4, autosomal dominant; Autosomal recessive ataxia, Beauce type. Last evaluated: 2025-10-27. Review status: criteria provided, single submitter. Criteria: Invitae Variant Classification Sherloc (09022015). Collection method: clinical testing. Allele origin: germline.
Comment: This sequence change replaces glutamic acid, which is acidic and polar, with alanine, which is neutral and non-polar, at codon 5646 of the SYNE1 protein (p.Glu5646Ala). This variant is present in population databases (rs780396166, gnomAD 0.06%). This variant has not been reported in the literature in individuals affected with SYNE1-related conditions. ClinVar contains an entry for this variant (Variation ID: 471006). An algorithm developed to predict the effect of missense changes on protein structure and function (PolyPhen-2) suggests that this variant is likely to be tolerated. In summary, the available evidence is currently insufficient to determine the role of this variant in disease. Therefore, it has been classified as a Variant of Uncertain Significance.

Revvity Omics, Revvity
Classification: Uncertain significance. Last evaluated: 2019-12-02. Review status: criteria provided, single submitter. Criteria: ACMG Guidelines, 2015. Collection method: clinical testing. Allele origin: germline.

NM_182961.4(SYNE1):c.17150A>C (p.Glu5717Ala)

Genes: SYNE1 (spectrin repeat containing nuclear envelope protein 1; minus strand), LOC126859837 (BRD4-independent group 4 enhancer GRCh37_chr6:152630775-152631974; plus strand). Cytogenetic location: 6q25.2.
Variant type: single nucleotide variant.
Coding change: c.17150A>C on transcript NM_182961.4 (MANE Select); coding-DNA position 17150, A replaced by C.
Protein change: p.Glu5717Ala; replaces glutamic acid 5717 with alanine.
Molecular consequence: missense variant.
Genome position (GRCh38, 1-based): chr6:152,309,887, T>G on the plus strand (A>C on the coding strand, the complement: SYNE1 is on the minus strand). VCF-style: chr6-152309887-T-G. GRCh37 (hg19) VCF-style: chr6-152631022-T-G.
Other names: c.16937A>C, p.Glu5646Ala (NM_033071.5); short protein forms E5717A, E5646A.
Identifiers: ClinVar variation 471006 (VCV000471006.10), dbSNP rs780396166, ClinGen allele CA4055332.